The following is an entry in ClinVar:

ClinVar aggregate classification (germline): Uncertain significance (1 of 4 stars; one submission).

Conditions:
Hypertrophic cardiomyopathy. Also called: HYPERTROPHIC MYOCARDIOPATHY. Identifiers: Orphanet 217569, MedGen C0007194, MeSH D002312, MONDO:0005045, HP:0001639.

Submission:

Labcorp Genetics (formerly Invitae), Labcorp
Classification: Uncertain significance for Hypertrophic cardiomyopathy. Last evaluated: 2025-09-10. Review status: criteria provided, single submitter. Criteria: Invitae Variant Classification Sherloc (09022015). Collection method: clinical testing. Allele origin: germline.
Comment: This sequence change affects codon 407 of the MYBPC3 mRNA. It is a 'silent' change, meaning that it does not change the encoded amino acid sequence of the MYBPC3 protein. This variant is not present in population databases (gnomAD no frequency). This variant has not been reported in the literature in individuals affected with MYBPC3-related conditions. ClinVar contains an entry for this variant (Variation ID: 1051411). Algorithms developed to predict the effect of sequence changes on RNA splicing suggest that this variant may disrupt the consensus splice site. In summary, the available evidence is currently insufficient to determine the role of this variant in disease. Therefore, it has been classified as a Variant of Uncertain Significance.

NM_000256.3(MYBPC3):c.1221C>T (p.Gly407=)

Gene: MYBPC3 (myosin binding protein C3; minus strand). Cytogenetic location: 11p11.2.
Variant type: single nucleotide variant.
Coding change: c.1221C>T on transcript NM_000256.3 (MANE Select); coding-DNA position 1221, C replaced by T.
Protein change: p.Gly407=; no amino-acid change (glycine 407 retained).
Molecular consequence: synonymous variant.
Genome position (GRCh38, 1-based): chr11:47,343,494, G>A on the plus strand (C>T on the coding strand, the complement: MYBPC3 is on the minus strand). VCF-style: chr11-47343494-G-A. GRCh37 (hg19) VCF-style: chr11-47365045-G-A.
Identifiers: ClinVar variation 1051411 (VCV001051411.9), dbSNP rs1363326088, ClinGen allele CA474220386.